The following is an entry in ClinVar:

ClinVar aggregate classification (germline): Uncertain significance. Review status: criteria provided, multiple submitters, no conflicts (2 of 4 stars). 2 submissions from 2 submitters: Uncertain significance (2). Last evaluated 2025-12-20.

Conditions:
Brugada syndrome 8 (BRGDA8). Identifiers: Orphanet 130, MedGen C2751083, MONDO:0013148, OMIM 613123.
Cardiovascular phenotype. Identifiers: MedGen CN230736.

Allele frequency attached by ClinVar (database versions not stated): TOPMed below 0.00001; ExAC 0.00001; gnomAD exomes 0.00001.
gnomAD v4.1: 11 of 1,600,888 alleles (0.00069%); highest among the groups gnomAD compares: South Asian, 0.0022%; no homozygotes.

Submissions (2):

Labcorp Genetics (formerly Invitae), Labcorp
Classification: Uncertain significance for Brugada syndrome 8. Last evaluated: 2025-12-20. Review status: criteria provided, single submitter. Criteria: Invitae Variant Classification Sherloc (09022015). Collection method: clinical testing. Allele origin: germline.
Comment: This sequence change replaces arginine, which is basic and polar, with glutamine, which is neutral and polar, at codon 828 of the HCN4 protein (p.Arg828Gln). The frequency data for this variant in the population databases is considered unreliable, as metrics indicate poor data quality at this position in the gnomAD database. This variant has not been reported in the literature in individuals affected with HCN4-related conditions. ClinVar contains an entry for this variant (Variation ID: 1791956). Invitae Evidence Modeling of protein sequence and biophysical properties (such as structural, functional, and spatial information, amino acid conservation, physicochemical variation, residue mobility, and thermodynamic stability) indicates that this missense variant is not expected to disrupt HCN4 protein function with a negative predictive value of 95%. In summary, the available evidence is currently insufficient to determine the role of this variant in disease. Therefore, it has been classified as a Variant of Uncertain Significance.

Ambry Genetics
Classification: Uncertain significance for Cardiovascular phenotype. Last evaluated: 2025-08-26. Review status: criteria provided, single submitter. Criteria: Ambry Variant Classification Scheme 2023. Collection method: clinical testing. Allele origin: germline.

NM_005477.3(HCN4):c.2483G>A (p.Arg828Gln)

Gene: HCN4 (hyperpolarization activated cyclic nucleotide gated potassium channel 4; minus strand). Cytogenetic location: 15q24.1.
Variant type: single nucleotide variant.
Coding change: c.2483G>A on transcript NM_005477.3 (MANE Select); coding-DNA position 2483, G replaced by A.
Protein change: p.Arg828Gln; replaces arginine 828 with glutamine.
Molecular consequence: missense variant.
Genome position (GRCh38, 1-based): chr15:73,323,610, C>T on the plus strand (G>A on the coding strand, the complement: HCN4 is on the minus strand). VCF-style: chr15-73323610-C-T. GRCh37 (hg19) VCF-style: chr15-73615951-C-T.
Other names: short protein forms R828Q.
Identifiers: ClinVar variation 1791956 (VCV001791956.8), dbSNP rs747348560, ClinGen allele CA7649019.